The following is an entry in ClinVar:

ClinVar aggregate classification (germline): Uncertain significance (1 of 4 stars; one submission).

Conditions:
LAMA2-related muscular dystrophy (LAMA2-RD). Also called: Laminin alpha 2-related dystrophy. Identifiers: MedGen C5679788, MONDO:0100228.

Allele frequency attached by ClinVar (database versions not stated): gnomAD exomes 0.00001.
gnomAD v4.1: 11 of 1,614,058 alleles (0.00068%); highest among the groups gnomAD compares: Non-Finnish European, 0.00093%; no homozygotes.

Submission:

Labcorp Genetics (formerly Invitae), Labcorp
Classification: Uncertain significance for LAMA2-related muscular dystrophy. Last evaluated: 2022-04-25. Review status: criteria provided, single submitter. Criteria: Invitae Variant Classification Sherloc (09022015). Collection method: clinical testing. Allele origin: germline.
Comment: This variant has not been reported in the literature in individuals affected with LAMA2-related conditions. This variant is not present in population databases (gnomAD no frequency). This sequence change replaces alanine, which is neutral and non-polar, with threonine, which is neutral and polar, at codon 1800 of the LAMA2 protein (p.Ala1800Thr). Advanced modeling of protein sequence and biophysical properties (such as structural, functional, and spatial information, amino acid conservation, physicochemical variation, residue mobility, and thermodynamic stability) performed at Invitae indicates that this missense variant is not expected to disrupt LAMA2 protein function. In summary, the available evidence is currently insufficient to determine the role of this variant in disease. Therefore, it has been classified as a Variant of Uncertain Significance.

NM_000426.4(LAMA2):c.5398G>A (p.Ala1800Thr)

Gene: LAMA2 (laminin subunit alpha 2; plus strand). Cytogenetic location: 6q22.33.
Variant type: single nucleotide variant.
Coding change: c.5398G>A on transcript NM_000426.4 (MANE Select); coding-DNA position 5398, G replaced by A.
Protein change: p.Ala1800Thr; replaces alanine 1800 with threonine.
Molecular consequence: missense variant.
Genome position (GRCh38, 1-based): chr6:129,393,208, G>A. VCF-style: chr6-129393208-G-A. GRCh37 (hg19) VCF-style: chr6-129714353-G-A.
Other names: c.5398G>A, p.Ala1800Thr (NM_001079823.2); short protein forms A1800T.
Identifiers: ClinVar variation 2182374 (VCV002182374.4), dbSNP rs2482737490, ClinGen allele CA365614915.